The following is an entry in ClinVar:

ClinVar aggregate classification (germline): Uncertain significance (1 of 4 stars; one submission).

Conditions:
RYR1-related disorder. Also called: RYR1-related disorders; RYR1-related condition. Identifiers: MedGen CN239331.

Allele frequency attached by ClinVar (database versions not stated): gnomAD exomes below 0.00001.
gnomAD v4.1: 1 of 1,614,204 alleles (0.000062%); highest among the groups gnomAD compares: Non-Finnish European, 0.000085%; no homozygotes.

Submission:

Labcorp Genetics (formerly Invitae), Labcorp
Classification: Uncertain significance for RYR1-related disorder. Last evaluated: 2022-06-04. Review status: criteria provided, single submitter. Criteria: Invitae Variant Classification Sherloc (09022015). Collection method: clinical testing. Allele origin: germline.
Comment: This sequence change replaces glycine, which is neutral and non-polar, with arginine, which is basic and polar, at codon 2328 of the RYR1 protein (p.Gly2328Arg). This variant is not present in population databases (gnomAD no frequency). This missense change has been observed in individual(s) with neonatal hypotonia (PMID: 27353517). ClinVar contains an entry for this variant (Variation ID: 960842). Advanced modeling of protein sequence and biophysical properties (such as structural, functional, and spatial information, amino acid conservation, physicochemical variation, residue mobility, and thermodynamic stability) performed at Invitae indicates that this missense variant is expected to disrupt RYR1 protein function. In summary, the available evidence is currently insufficient to determine the role of this variant in disease. Therefore, it has been classified as a Variant of Uncertain Significance.

Literature cited by the submitters: PubMed 27353517.

NM_000540.3(RYR1):c.6982G>A (p.Gly2328Arg)

Gene: RYR1 (ryanodine receptor 1; plus strand). Cytogenetic location: 19q13.2.
Variant type: single nucleotide variant.
Coding change: c.6982G>A on transcript NM_000540.3 (MANE Select); coding-DNA position 6982, G replaced by A.
Protein change: p.Gly2328Arg; replaces glycine 2328 with arginine.
Molecular consequence: missense variant.
Genome position (GRCh38, 1-based): chr19:38,499,198, G>A. VCF-style: chr19-38499198-G-A. GRCh37 (hg19) VCF-style: chr19-38989838-G-A.
Other names: c.6982G>A, p.Gly2328Arg (NM_001042723.2); short protein forms G2328R.
Identifiers: ClinVar variation 960842 (VCV000960842.10), dbSNP rs1969982762, ClinGen allele CA405667368.
Genomic context (GRCh38, chr19:38,499,198, plus strand): 5'-CAGAGCTGCCCCATGCTTGTGGCCAAAGGGTACCCAGACATTGGCTGGAACCCCTGTGGT[G>A]GAGAGCGCTACCTGGACTTCCTGCGCTTTGCTGTCTTCGTCAACGGTGAGGAGGGGGTGG-3'
Protein context (NP_000531.2, residues 2318-2338): YPDIGWNPCG[Gly2328Arg]ERYLDFLRFA